The following is an entry in ClinVar:

ClinVar aggregate classification (germline): Uncertain significance (1 of 4 stars; one submission).

gnomAD v4.1: 2 of 1,612,440 alleles (0.00012%); highest among the groups gnomAD compares: Admixed American, 0.0033%; no homozygotes.

Submission:

Ambry Genetics
Classification: Uncertain significance. Last evaluated: 2026-08-26. Review status: criteria provided, single submitter. Criteria: Ambry Variant Classification Scheme 2023. Collection method: clinical testing. Allele origin: germline.
Comment: The p.T6P variant (also known as c.16A>C), located in coding exon 2 of the RPS20 gene, results from an A to C substitution at nucleotide position 16. The threonine at codon 6 is replaced by proline, an amino acid with highly similar properties. This amino acid position is well conserved in available vertebrate species. In addition, the in silico prediction for this alteration is inconclusive. Based on the available evidence, the clinical significance of this variant remains unclear.

NM_001023.4(RPS20):c.16A>C (p.Thr6Pro)

Gene: RPS20 (ribosomal protein S20; minus strand). Cytogenetic location: 8q12.1.
Variant type: single nucleotide variant.
Coding change: c.16A>C on transcript NM_001023.4 (MANE Select); coding-DNA position 16, A replaced by C.
Protein change: p.Thr6Pro; replaces threonine 6 with proline.
Molecular consequence: missense variant.
Genome position (GRCh38, 1-based): chr8:56,074,147, T>G on the plus strand (A>C on the coding strand, the complement: RPS20 is on the minus strand). VCF-style: chr8-56074147-T-G. GRCh37 (hg19) VCF-style: chr8-56986706-T-G.
Other names: c.16A>C, p.Thr6Pro (NM_001146227.3); short protein forms T6P.
Identifiers: ClinVar variation 5028421 (VCV005028421.1).